The following is an entry in ClinVar:

ClinVar aggregate classification (germline): Uncertain significance (1 of 4 stars; one submission).

Allele frequency attached by ClinVar (database versions not stated): gnomAD exomes below 0.00001.

Submission:

GeneDx
Classification: Uncertain significance. Last evaluated: 2018-04-17. Review status: criteria provided, single submitter. Criteria: GeneDx Variant Classification (06012015). Collection method: clinical testing. Allele origin: germline. Affected: yes.
Comment: The P243T variant in the IL11RA gene has not been reported previously as a pathogenic variant, nor as a benign variant, to our knowledge. The P243T variant is observed in 1/17236 (0.006%) alleles from individuals of East Asian background in large population cohorts (Lek et al., 2016). The P243T variant is a non-conservative amino acid substitution, which is likely to impact secondary protein structure as these residues differ in polarity, charge, size and/or other properties. In-silico analyses, including protein predictors and evolutionary conservation, support a deleterious effect. We interpret P243T as a variant of uncertain significance.

NM_001142784.3(IL11RA):c.727C>A (p.Pro243Thr)

Gene: IL11RA (interleukin 11 receptor subunit alpha; plus strand). Cytogenetic location: 9p13.3.
Variant type: single nucleotide variant.
Coding change: c.727C>A on transcript NM_001142784.3 (MANE Select); coding-DNA position 727, C replaced by A.
Protein change: p.Pro243Thr; replaces proline 243 with threonine.
Molecular consequence: missense variant. On other transcripts: non-coding transcript variant (1).
Genome position (GRCh38, 1-based): chr9:34,658,600, C>A. VCF-style: chr9-34658600-C-A. GRCh37 (hg19) VCF-style: chr9-34658597-C-A.
Other names: short protein forms P243T.
Identifiers: ClinVar variation 546144 (VCV000546144.2), dbSNP rs1360163592, ClinGen allele CA373289837.